The following is an entry in ClinVar:

NM_000038.6(APC):c.5451A>G (p.Lys1817=)

Gene: APC (APC regulator of Wnt signaling pathway; plus strand). Cytogenetic location: 5q22.2.
Variant type: single nucleotide variant.
Coding change: c.5451A>G on transcript NM_000038.6 (MANE Select); coding-DNA position 5451, A replaced by G.
Protein change: p.Lys1817=; no amino-acid change (lysine 1817 retained).
Molecular consequence: synonymous variant.
Genome position (GRCh38, 1-based): chr5:112,841,045, A>G. VCF-style: chr5-112841045-A-G. GRCh37 (hg19) VCF-style: chr5-112176742-A-G.
Other names: c.5451A>G, p.Lys1817= (NM_001127510.3, NM_001354895.2); c.5397A>G, p.Lys1799= (NM_001127511.3); c.5505A>G, p.Lys1835= (NM_001354896.2); c.5481A>G, p.Lys1827= (NM_001354897.2); c.5376A>G, p.Lys1792= (NM_001354898.2); c.5367A>G, p.Lys1789= (NM_001354899.2); c.5328A>G, p.Lys1776= (NM_001354900.2); c.5274A>G, p.Lys1758= (NM_001354901.2); and 5 more.
Identifiers: ClinVar variation 428114 (VCV000428114.28), dbSNP rs1004701019, ClinGen allele CA125167796.

ClinVar aggregate classification (germline): Benign/Likely benign. Review status: criteria provided, multiple submitters, no conflicts (2 of 4 stars). 7 submissions from 7 submitters: Benign (1); Likely benign (6). Last evaluated 2025-12-19.

Conditions:
Hereditary cancer-predisposing syndrome. Also called: Hereditary Cancer Syndrome; Neoplastic Syndromes, Hereditary; Hereditary neoplastic syndrome; Tumor predisposition. Identifiers: Orphanet 140162, MedGen C0027672, MeSH D009386, MONDO:0015356.
Familial adenomatous polyposis 1 (FAP1). Also called: FAMILIAL ADENOMATOUS POLYPOSIS 1, ATTENUATED; POLYPOSIS, ADENOMATOUS INTESTINAL. Identifiers: MedGen C2713442, MONDO:0021056, OMIM 175100. Disease mechanism: loss of function.
Classic or attenuated familial adenomatous polyposis. Identifiers: MedGen CN372698, MONDO:0021057.

Allele frequency attached by ClinVar (database versions not stated): gnomAD exomes below 0.00001; TOPMed below 0.00001; gnomAD 0.00001.
gnomAD v4.1: 5 of 1,611,814 alleles (0.00031%); highest among the groups gnomAD compares: Non-Finnish European, 0.00042%; no homozygotes.

Submissions (7):

Labcorp Genetics (formerly Invitae), Labcorp
Classification: Likely benign for Familial adenomatous polyposis 1. Last evaluated: 2025-12-19. Review status: criteria provided, single submitter. Criteria: Invitae Variant Classification Sherloc (09022015). Collection method: clinical testing. Allele origin: germline.

Center for Genomic Medicine, Rigshospitalet, Copenhagen University Hospital
Classification: Likely benign. Last evaluated: 2025-03-04. Review status: criteria provided, single submitter. Criteria: ACMG Guidelines, 2015. Collection method: clinical testing. Allele origin: germline.

Molecular Diagnostics Laboratory, Catalan Institute of Oncology
Classification: Likely benign for Hereditary cancer-predisposing syndrome. Last evaluated: 2025-01-13. Review status: criteria provided, single submitter. Criteria: ClinGen ACMG Specifications APC V1.0.0. Collection method: clinical testing. Allele origin: germline.
Comment: PM2_Supporting, BP4, BP7 c.5451A>G located in exon 16 of the APC gene is predicted to result in no amino acid change, p.(Lys1817=)(BP7).It is not present in the population database gnomAD v2.1.1, non cancer dataset (PM2_Supporting). The SpliceAI algorithm predicts no significant impact on splicing (BP4). To our knowledge, neither relevant clinical data nor functional studies have been reported for this variant. In addition, the variant was also identified in the ClinVar database (4x likely benign, 2x benign) but it has not been identified neither LOVD database. Based on currently available information, the variant c.5451A>G is classified as a benign variant according to ClinGen-APC Guidelines version 1.

Myriad Genetics, Inc.
Classification: Benign for Familial adenomatous polyposis 1. Last evaluated: 2024-04-02. Review status: criteria provided, single submitter. Criteria: Myriad Autosomal Dominant, Autosomal Recessive and X-Linked Classification Criteria (2023). Collection method: clinical testing. Allele origin: unknown.
Comment: This variant is considered benign. This variant is a silent/synonymous amino acid change and it is not expected to impact splicing.

All of Us Research Program, National Institutes of Health
Classification: Likely benign for Classic or attenuated familial adenomatous polyposis. Last evaluated: 2023-11-20. Review status: criteria provided, single submitter. Criteria: ACMG Guidelines, 2015. Collection method: clinical testing. Allele origin: germline. Inheritance: Autosomal dominant inheritance. Observed: 2 variant alleles, 2 heterozygotes.
Comment: This study involves interpretation of variants in research participants for the purpose of population health screening. Participant phenotype was not available at the time of variant classification. Additional details can be found in publication PMID: 35346344, PMCID: PMC8962531

Color Diagnostics, LLC DBA Color Health
Classification: Likely benign for Hereditary cancer-predisposing syndrome. Last evaluated: 2018-09-04. Review status: criteria provided, single submitter. Criteria: ACMG Guidelines, 2015. Collection method: clinical testing. Allele origin: germline.

Ambry Genetics
Classification: Likely benign for Hereditary cancer-predisposing syndrome. Last evaluated: 2014-08-06. Review status: criteria provided, single submitter. Criteria: Ambry Variant Classification Scheme 2023. Collection method: clinical testing. Allele origin: germline.